The following is an entry in ClinVar:

ClinVar aggregate classification (germline): Uncertain significance. Review status: criteria provided, multiple submitters, no conflicts (2 of 4 stars). 3 submissions from 3 submitters: Uncertain significance (3). Last evaluated 2024-10-21.

Conditions:
Emery-Dreifuss muscular dystrophy 5, autosomal dominant (EDMD5). Also called: EMERY-DREIFUSS MUSCULAR DYSTROPHY 5. Identifiers: Orphanet 261, MedGen C2751805, MONDO:0013072, OMIM 612999.

Allele frequency attached by ClinVar (database versions not stated): gnomAD exomes below 0.00001; TOPMed below 0.00001; ExAC 0.00001.
gnomAD v4.1: 4 of 1,614,188 alleles (0.00025%); highest among the groups gnomAD compares: Admixed American, 0.0067%; no homozygotes.

Submissions (3):

Ambry Genetics
Classification: Uncertain significance. Last evaluated: 2024-10-21. Review status: criteria provided, single submitter. Criteria: Ambry Variant Classification Scheme 2023. Collection method: clinical testing. Allele origin: germline.

Labcorp Genetics (formerly Invitae), Labcorp
Classification: Uncertain significance for Emery-Dreifuss muscular dystrophy 5, autosomal dominant. Last evaluated: 2023-12-06. Review status: criteria provided, single submitter. Criteria: Invitae Variant Classification Sherloc (09022015). Collection method: clinical testing. Allele origin: germline.
Comment: This sequence change replaces glutamic acid, which is acidic and polar, with lysine, which is basic and polar, at codon 6308 of the SYNE2 protein (p.Glu6308Lys). This variant is present in population databases (rs766830821, gnomAD 0.003%). This variant has not been reported in the literature in individuals affected with SYNE2-related conditions. ClinVar contains an entry for this variant (Variation ID: 2049723). An algorithm developed to predict the effect of missense changes on protein structure and function (PolyPhen-2) suggests that this variant is likely to be disruptive. In summary, the available evidence is currently insufficient to determine the role of this variant in disease. Therefore, it has been classified as a Variant of Uncertain Significance.

Revvity Omics, Revvity
Classification: Uncertain significance for Emery-Dreifuss muscular dystrophy 5, autosomal dominant. Last evaluated: 2019-09-05. Review status: criteria provided, single submitter. Criteria: ACMG Guidelines, 2015. Collection method: clinical testing. Allele origin: germline.

NM_182914.3(SYNE2):c.18922G>A (p.Glu6308Lys)

Gene: SYNE2 (spectrin repeat containing nuclear envelope protein 2; plus strand). Cytogenetic location: 14q23.2.
Variant type: single nucleotide variant.
Coding change: c.18922G>A on transcript NM_182914.3 (MANE Select); coding-DNA position 18922, G replaced by A.
Protein change: p.Glu6308Lys; replaces glutamic acid 6308 with lysine.
Molecular consequence: missense variant.
Genome position (GRCh38, 1-based): chr14:64,212,871, G>A. VCF-style: chr14-64212871-G-A. GRCh37 (hg19) VCF-style: chr14-64679589-G-A.
Other names: c.18922G>A (NM_182914.2); c.18922G>A, p.Glu6308Lys (NM_015180.6); short protein forms E6308K.
Identifiers: ClinVar variation 2049723 (VCV002049723.8), dbSNP rs766830821, ClinGen allele CA7224263.